The following is an entry in ClinVar:

NM_018834.6(MATR3):c.242A>G (p.His81Arg)

Gene: MATR3 (matrin 3; plus strand). Cytogenetic location: 5q31.2.
Variant type: single nucleotide variant.
Coding change: c.242A>G on transcript NM_018834.6 (MANE Select); coding-DNA position 242, A replaced by G.
Protein change: p.His81Arg; replaces histidine 81 with arginine.
Molecular consequence: missense variant. On other transcripts: intron variant (11).
Genome position (GRCh38, 1-based): chr5:139,307,657, A>G. VCF-style: chr5-139307657-A-G. GRCh37 (hg19) VCF-style: chr5-138643346-A-G.
Other names: c.242A>G, p.His81Arg (NM_001194954.2, NM_001194955.2, NM_001400441.1 and 16 more transcripts); c.52-7018A>G (NM_001400459.1); c.-102-7018A>G (NM_001400463.1, NM_001400460.1, NM_001282278.2 and 3 more transcripts); c.-40-8040A>G (NM_001400462.1, NM_001400467.1); c.13-7018A>G (NM_001400461.1); c.49-7018A>G (NM_001194956.2); short protein forms H81R.
Identifiers: ClinVar variation 4807421 (VCV004807421.1).

ClinVar aggregate classification (germline): Uncertain significance (1 of 4 stars; one submission).

Conditions:
Amyotrophic lateral sclerosis type 21. Also called: VOCAL CORD AND PHARYNGEAL DYSFUNCTION WITH DISTAL MYOPATHY; MYOPATHY, DISTAL, 2. Identifiers: Orphanet 600, Orphanet 803, MedGen C3807521, MONDO:0011632, OMIM 606070.

gnomAD v4.1: 2 of 1,614,126 alleles (0.00012%); highest among the groups gnomAD compares: South Asian, 0.0011%; no homozygotes.

Submission:

Labcorp Genetics (formerly Invitae), Labcorp
Classification: Uncertain significance for Amyotrophic lateral sclerosis type 21. Last evaluated: 2025-09-27. Review status: criteria provided, single submitter. Criteria: Invitae Variant Classification Sherloc (09022015). Collection method: clinical testing. Allele origin: germline.
Comment: This sequence change replaces histidine, which is basic and polar, with arginine, which is basic and polar, at codon 81 of the MATR3 protein (p.His81Arg). This variant is present in population databases (no rsID available, gnomAD 0.003%). This variant has not been reported in the literature in individuals affected with MATR3-related conditions. Invitae Evidence Modeling of protein sequence and biophysical properties (such as structural, functional, and spatial information, amino acid conservation, physicochemical variation, residue mobility, and thermodynamic stability) has been performed for this missense variant. However, the output from this modeling did not meet the statistical confidence thresholds required to predict the impact of this variant on MATR3 protein function. In summary, the available evidence is currently insufficient to determine the role of this variant in disease. Therefore, it has been classified as a Variant of Uncertain Significance.